The following is an entry in ClinVar:

NM_018489.3(ASH1L):c.8522G>A (p.Arg2841His)

Gene: ASH1L (ASH1 like histone lysine methyltransferase; minus strand). Cytogenetic location: 1q22.
Variant type: single nucleotide variant.
Coding change: c.8522G>A on transcript NM_018489.3 (MANE Select); coding-DNA position 8522, G replaced by A.
Protein change: p.Arg2841His; replaces arginine 2841 with histidine.
Molecular consequence: missense variant.
Genome position (GRCh38, 1-based): chr1:155,338,370, C>T on the plus strand (G>A on the coding strand, the complement: ASH1L is on the minus strand). VCF-style: chr1-155338370-C-T. GRCh37 (hg19) VCF-style: chr1-155308161-C-T.
Other names: c.8537G>A, p.Arg2846His (NM_001366177.2); short protein forms R2841H, R2846H.
Identifiers: ClinVar variation 2504165 (VCV002504165.2), dbSNP rs779448272, ClinGen allele CA1145841.

ClinVar aggregate classification (germline): Uncertain significance (1 of 4 stars; one submission).

Allele frequency attached by ClinVar (database versions not stated): gnomAD 0.00005.

Submission:

Centre of Medical Genetics, University Hospital Muenster
Classification: Uncertain significance. Last evaluated: 2023-05-04. Review status: criteria provided, single submitter. Criteria: ACMG Guidelines, 2015. Collection method: clinical testing. Allele origin: unknown. Affected: yes. Observed: 1 variant allele, 1 heterozygote.
Comment: ACMG categories: PM2,PP3